The following is an entry in ClinVar:

ClinVar aggregate classification (germline): Uncertain significance. Review status: criteria provided, multiple submitters, no conflicts (2 of 4 stars). 2 submissions from 2 submitters: Uncertain significance (2). Last evaluated 2025-12-22.

Allele frequency attached by ClinVar (database versions not stated): ExAC 0.00021; TOPMed 0.00009; gnomAD 0.00011; ESP Exome Variant Server 0.00008; gnomAD exomes 0.00011.
gnomAD v4.1: 202 of 1,614,238 alleles (0.013%); highest among the groups gnomAD compares: Middle Eastern, 0.082%; 1 homozygote.

Submissions (2):

Labcorp Genetics (formerly Invitae), Labcorp
Classification: Uncertain significance. Last evaluated: 2025-12-22. Review status: criteria provided, single submitter. Criteria: Invitae Variant Classification Sherloc (09022015). Collection method: clinical testing. Allele origin: germline.
Comment: This sequence change replaces aspartic acid, which is acidic and polar, with alanine, which is neutral and non-polar, at codon 585 of the DHX32 protein (p.Asp585Ala). This variant is present in population databases (rs371698020, gnomAD 0.1%), and has an allele count higher than expected for a pathogenic variant. This variant has not been reported in the literature in individuals affected with DHX32-related conditions. ClinVar contains an entry for this variant (Variation ID: 2139673). An algorithm developed to predict the effect of missense changes on protein structure and function (PolyPhen-2) suggests that this variant is likely to be tolerated. In summary, the available evidence is currently insufficient to determine the role of this variant in disease. Therefore, it has been classified as a Variant of Uncertain Significance.

Ambry Genetics
Classification: Uncertain significance. Last evaluated: 2024-08-25. Review status: criteria provided, single submitter. Criteria: Ambry Variant Classification Scheme 2023. Collection method: clinical testing. Allele origin: germline.

NM_018180.3(DHX32):c.1754A>C (p.Asp585Ala)

Genes: DHX32 (DEAH-box helicase 32 (putative); minus strand), BCCIP (BRCA2 and CDKN1A interacting protein; plus strand). Cytogenetic location: 10q26.2.
Variant type: single nucleotide variant.
Coding change: c.1754A>C on transcript NM_018180.3 (MANE Select); coding-DNA position 1754, A replaced by C.
Protein change: p.Asp585Ala; replaces aspartic acid 585 with alanine.
Molecular consequence: missense variant. On other transcripts: intron variant (2).
Genome position (GRCh38, 1-based): chr10:125,839,128, T>G on the plus strand (A>C on the coding strand, the complement: DHX32 is on the minus strand). VCF-style: chr10-125839128-T-G. GRCh37 (hg19) VCF-style: chr10-127527697-T-G.
Other names: c.775-2127T>G (NM_016567.4, NM_078469.3); short protein forms D585A.
Identifiers: ClinVar variation 2139673 (VCV002139673.5), dbSNP rs371698020, ClinGen allele CA5739061.